The following is an entry in ClinVar:

ClinVar aggregate classification (germline): Uncertain significance (1 of 4 stars; one submission).

Allele frequency attached by ClinVar (database versions not stated): gnomAD exomes below 0.00001; TOPMed below 0.00001; gnomAD 0.00001.
gnomAD v4.1: 3 of 1,613,550 alleles (0.00019%); highest among the groups gnomAD compares: African/African-American, 0.004%; no homozygotes.

Submission:

Labcorp Genetics (formerly Invitae), Labcorp
Classification: Uncertain significance. Last evaluated: 2022-08-09. Review status: criteria provided, single submitter. Criteria: Invitae Variant Classification Sherloc (09022015). Collection method: clinical testing. Allele origin: germline.
Comment: In summary, the available evidence is currently insufficient to determine the role of this variant in disease. Therefore, it has been classified as a Variant of Uncertain Significance. Advanced modeling of protein sequence and biophysical properties (such as structural, functional, and spatial information, amino acid conservation, physicochemical variation, residue mobility, and thermodynamic stability) performed at Invitae indicates that this missense variant is not expected to disrupt CACNA1B protein function. This variant has not been reported in the literature in individuals affected with CACNA1B-related conditions. This variant is present in population databases (no rsID available, gnomAD 0.01%). This sequence change replaces alanine, which is neutral and non-polar, with glycine, which is neutral and non-polar, at codon 1895 of the CACNA1B protein (p.Ala1895Gly).

NM_000718.4(CACNA1B):c.5684C>G (p.Ala1895Gly)

Gene: CACNA1B (calcium voltage-gated channel subunit alpha1 B; plus strand). Cytogenetic location: 9q34.3.
Variant type: single nucleotide variant.
Coding change: c.5684C>G on transcript NM_000718.4 (MANE Select); coding-DNA position 5684, C replaced by G.
Protein change: p.Ala1895Gly; replaces alanine 1895 with glycine.
Molecular consequence: missense variant.
Genome position (GRCh38, 1-based): chr9:138,115,586, C>G. VCF-style: chr9-138115586-C-G. GRCh37 (hg19) VCF-style: chr9-141010038-C-G.
Other names: c.5684C>G, p.Ala1895Gly (NM_001243812.2); short protein forms A1895G.
Identifiers: ClinVar variation 2114128 (VCV002114128.4), dbSNP rs934509451, ClinGen allele CA201871432.
Genomic context (GRCh38, chr9:138,115,586, plus strand): 5'-TTCCCTTCCCTTTGCCTCCTTTGCAGATGGGTCCTGTGTCCCTGTTCCACCCTCTGAAGG[C>G]CACCCTGGAGCAGACACAGCCGGCTGTGCTCCGAGGAGCCCGGGTTTTCCTTCGACAGAA-3'
Protein context (NP_000709.1, residues 1885-1905): GPVSLFHPLK[Ala1895Gly]TLEQTQPAVL